The following is an entry in ClinVar:

NM_014159.7(SETD2):c.1576G>A (p.Ala526Thr)

Gene: SETD2 (SET domain containing 2, histone lysine methyltransferase; minus strand). Cytogenetic location: 3p21.31.
Variant type: single nucleotide variant.
Coding change: c.1576G>A on transcript NM_014159.7 (MANE Select); coding-DNA position 1576, G replaced by A.
Protein change: p.Ala526Thr; replaces alanine 526 with threonine.
Molecular consequence: missense variant. On other transcripts: non-coding transcript variant (1).
Genome position (GRCh38, 1-based): chr3:47,123,060, C>T on the plus strand (G>A on the coding strand, the complement: SETD2 is on the minus strand). VCF-style: chr3-47123060-C-T. GRCh37 (hg19) VCF-style: chr3-47164550-C-T.
Other names: c.1444G>A, p.Ala482Thr (NM_001349370.3); short protein forms A482T, A526T.
Identifiers: ClinVar variation 1057202 (VCV001057202.5), dbSNP rs1335620465, ClinGen allele CA352529924.

ClinVar aggregate classification (germline): Uncertain significance (1 of 4 stars; one submission).

Conditions:
Luscan-Lumish syndrome. Identifiers: Orphanet 597738, MedGen C4085873, MONDO:0014791, OMIM 616831.

Allele frequency attached by ClinVar (database versions not stated): gnomAD exomes below 0.00001.

Submission:

Labcorp Genetics (formerly Invitae), Labcorp
Classification: Uncertain significance for Luscan-Lumish syndrome. Last evaluated: 2020-07-29. Review status: criteria provided, single submitter. Criteria: Invitae Variant Classification Sherloc (09022015). Collection method: clinical testing. Allele origin: germline.
Comment: This sequence change replaces alanine with threonine at codon 526 of the SETD2 protein (p.Ala526Thr). The alanine residue is moderately conserved and there is a small physicochemical difference between alanine and threonine. This variant is not present in population databases (ExAC no frequency). This variant has not been reported in the literature in individuals with SETD2-related conditions. Algorithms developed to predict the effect of missense changes on protein structure and function output the following: SIFT: "Tolerated"; PolyPhen-2: "Benign"; Align-GVGD: "Class C0". The threonine amino acid residue is found in multiple mammalian species, suggesting that this missense change does not adversely affect protein function. These predictions have not been confirmed by published functional studies and their clinical significance is uncertain. In summary, the available evidence is currently insufficient to determine the role of this variant in disease. Therefore, it has been classified as a Variant of Uncertain Significance.